The following is an entry in ClinVar:

NM_000553.6(WRN):c.443T>C (p.Leu148Pro)

Gene: WRN (WRN RecQ like helicase; plus strand). Cytogenetic location: 8p12.
Variant type: single nucleotide variant.
Coding change: c.443T>C on transcript NM_000553.6 (MANE Select); coding-DNA position 443, T replaced by C.
Protein change: p.Leu148Pro; replaces leucine 148 with proline.
Molecular consequence: missense variant.
Genome position (GRCh38, 1-based): chr8:31,065,002, T>C. VCF-style: chr8-31065002-T-C. GRCh37 (hg19) VCF-style: chr8-30922518-T-C.
Other names: short protein forms L148P.
Identifiers: ClinVar variation 1439032 (VCV001439032.6), dbSNP rs587778753, ClinGen allele CA174843005.
Genomic context (GRCh38, chr8:31,065,002, plus strand): 5'-TTGAAAATAAAGCAGTTAAAAAGGCAGGTGTAGGAATTGAAGGAGATCAGTGGAAACTTC[T>C]ACGTGACTTTGATATCAAATTGAAGAATTTTGTGGAGTTGACAGATGTTGCCAATAAAAA-3'
Protein context (NP_000544.2, residues 138-158): VGIEGDQWKL[Leu148Pro]RDFDIKLKNF

ClinVar aggregate classification (germline): Uncertain significance (1 of 4 stars; one submission).

Conditions:
Werner syndrome (WRN). Identifiers: Orphanet 902, MedGen C0043119, MONDO:0010196, OMIM 277700.

Submission:

Labcorp Genetics (formerly Invitae), Labcorp
Classification: Uncertain significance for Werner syndrome. Last evaluated: 2021-11-07. Review status: criteria provided, single submitter. Criteria: Invitae Variant Classification Sherloc (09022015). Collection method: clinical testing. Allele origin: germline.
Comment: This sequence change replaces leucine, which is neutral and non-polar, with proline, which is neutral and non-polar, at codon 148 of the WRN protein (p.Leu148Pro). This variant is not present in population databases (gnomAD no frequency). This variant has not been reported in the literature in individuals affected with WRN-related conditions. Algorithms developed to predict the effect of missense changes on protein structure and function are either unavailable or do not agree on the potential impact of this missense change (SIFT: "Not Available"; PolyPhen-2: "Probably Damaging"; Align-GVGD: "Not Available"). In summary, the available evidence is currently insufficient to determine the role of this variant in disease. Therefore, it has been classified as a Variant of Uncertain Significance.